The following is an entry in ClinVar:

ClinVar aggregate classification (germline): Uncertain significance. Review status: criteria provided, multiple submitters, no conflicts (2 of 4 stars). 3 submissions from 3 submitters: Uncertain significance (3). Last evaluated 2025-01-24.

Conditions:
Inborn genetic diseases. Identifiers: MedGen C0950123, MeSH D030342.
Lymphoproliferative syndrome 2 (LPFS2). Also called: CD27 DEFICIENCY; Combined immunodeficiency due to CD27 deficiency. Identifiers: Orphanet 238505, MedGen C3554540, MONDO:0014054, OMIM 615122.

Allele frequency attached by ClinVar (database versions not stated): gnomAD exomes 0.00001; gnomAD 0.00007; ExAC 0.00002; TOPMed 0.00005.
gnomAD v4.1: 26 of 1,612,720 alleles (0.0016%); highest among the groups gnomAD compares: African/African-American, 0.0053%; no homozygotes.

Submissions (3):

Labcorp Genetics (formerly Invitae), Labcorp
Classification: Uncertain significance for Lymphoproliferative syndrome 2. Last evaluated: 2025-01-24. Review status: criteria provided, single submitter. Criteria: Invitae Variant Classification Sherloc (09022015). Collection method: clinical testing. Allele origin: germline.
Comment: This sequence change replaces proline, which is neutral and non-polar, with serine, which is neutral and polar, at codon 260 of the CD27 protein (p.Pro260Ser). The frequency data for this variant in the population databases is considered unreliable, as metrics indicate poor data quality at this position in the gnomAD database. This variant has not been reported in the literature in individuals affected with CD27-related conditions. ClinVar contains an entry for this variant (Variation ID: 934493). An algorithm developed to predict the effect of missense changes on protein structure and function outputs the following: PolyPhen-2: "Probably Damaging". The serine amino acid residue is found in multiple mammalian species, which suggests that this missense change does not adversely affect protein function. In summary, the available evidence is currently insufficient to determine the role of this variant in disease. Therefore, it has been classified as a Variant of Uncertain Significance.

Women's Health and Genetics/Laboratory Corporation of America, LabCorp
Classification: Uncertain significance. Last evaluated: 2024-05-03. Review status: criteria provided, single submitter. Criteria: LabCorp Variant Classification Summary - May 2015. Collection method: clinical testing. Allele origin: germline.
Comment: Variant summary: CD27 c.778C>T (p.Pro260Ser) results in a non-conservative amino acid change in the encoded protein sequence. Four of five in-silico tools predict a damaging effect of the variant on protein function. The variant allele was found at a frequency of 1.2e-05 in 249110 control chromosomes. The available data on variant occurrences in the general population are insufficient to allow any conclusion about variant significance. To our knowledge, no occurrence of c.778C>T in individuals affected with Lymphoproliferative Syndrome 2 and no experimental evidence demonstrating its impact on protein function have been reported. ClinVar contains an entry for this variant (Variation ID: 934493). Based on the evidence outlined above, the variant was classified as uncertain significance.

Ambry Genetics
Classification: Uncertain significance for Inborn genetic diseases. Last evaluated: 2024-01-30. Review status: criteria provided, single submitter. Criteria: Ambry Variant Classification Scheme 2023. Collection method: clinical testing. Allele origin: germline.

NM_001242.5(CD27):c.778C>T (p.Pro260Ser)

Genes: CD27-AS1 (CD27 antisense RNA 1; minus strand), CD27 (CD27 molecule; plus strand). Cytogenetic location: 12p13.31.
Variant type: single nucleotide variant.
Coding change: c.778C>T on transcript NM_001242.5 (MANE Select); coding-DNA position 778, C replaced by T.
Protein change: p.Pro260Ser; replaces proline 260 with serine.
Molecular consequence: missense variant. On other transcripts: non-coding transcript variant (1).
Genome position (GRCh38, 1-based): chr12:6,451,387, C>T. VCF-style: chr12-6451387-C-T. GRCh37 (hg19) VCF-style: chr12-6560553-C-T.
Other names: short protein forms P260S.
Identifiers: ClinVar variation 934493 (VCV000934493.10), dbSNP rs752860747, ClinGen allele CA6407097.